The following is an entry in ClinVar:

ClinVar aggregate classification (germline): Uncertain significance (1 of 4 stars; one submission).

Allele frequency attached by ClinVar (database versions not stated): ExAC 0.00001; gnomAD exomes 0.00002 and 0.00003; gnomAD 0.00004; TOPMed 0.00004.
gnomAD v4.1: 32 of 1,541,986 alleles (0.0021%); highest among the groups gnomAD compares: Admixed American, 0.01%; no homozygotes.

Submission:

Labcorp Genetics (formerly Invitae), Labcorp
Classification: Uncertain significance. Last evaluated: 2022-03-10. Review status: criteria provided, single submitter. Criteria: Invitae Variant Classification Sherloc (09022015). Collection method: clinical testing. Allele origin: germline.
Comment: This sequence change replaces arginine, which is basic and polar, with glutamine, which is neutral and polar, at codon 443 of the CLCC1 protein (p.Arg443Gln). This variant is present in population databases (rs758737739, gnomAD 0.006%). This variant has not been reported in the literature in individuals affected with CLCC1-related conditions. ClinVar contains an entry for this variant (Variation ID: 967097). Algorithms developed to predict the effect of missense changes on protein structure and function (SIFT, PolyPhen-2, Align-GVGD) all suggest that this variant is likely to be tolerated. In summary, the available evidence is currently insufficient to determine the role of this variant in disease. Therefore, it has been classified as a Variant of Uncertain Significance.

NM_001377458.1(CLCC1):c.1328G>A (p.Arg443Gln)

Gene: CLCC1 (chloride channel CLIC like 1; minus strand). Cytogenetic location: 1p13.3.
Variant type: single nucleotide variant.
Coding change: c.1328G>A on transcript NM_001377458.1 (MANE Select); coding-DNA position 1328, G replaced by A.
Protein change: p.Arg443Gln; replaces arginine 443 with glutamine.
Molecular consequence: missense variant. On other transcripts: non-coding transcript variant (1).
Genome position (GRCh38, 1-based): chr1:108,937,132, C>T on the plus strand (G>A on the coding strand, the complement: CLCC1 is on the minus strand). VCF-style: chr1-108937132-C-T. GRCh37 (hg19) VCF-style: chr1-109479754-C-T.
Other names: c.1328G>A, p.Arg443Gln (NM_001048210.3, NM_001377459.1, NM_001377460.1 and 8 more transcripts); c.965G>A, p.Arg322Gln (NM_001278202.2); c.773G>A, p.Arg258Gln (NM_001278203.1); c.1226G>A, p.Arg409Gln (NM_001377469.1); c.1037G>A, p.Arg346Gln (NM_001377470.1); c.1178G>A, p.Arg393Gln (NM_015127.5); short protein forms R409Q, R346Q, R443Q, R322Q, R393Q, R258Q.
Identifiers: ClinVar variation 967097 (VCV000967097.7), dbSNP rs758737739, ClinGen allele CA983356.